The following is an entry in ClinVar:

NM_012414.4(RAB3GAP2):c.*572G>T

Gene: RAB3GAP2 (RAB3 GTPase activating non-catalytic protein subunit 2; minus strand). Cytogenetic location: 1q41.
Variant type: single nucleotide variant.
Coding change: c.*572G>T on transcript NM_012414.4 (MANE Select); 572 bases downstream of the stop codon, G replaced by T.
Molecular consequence: 3 prime UTR variant.
Genome position (GRCh38, 1-based): chr1:220,150,679, C>A on the plus strand (G>T on the coding strand, the complement: RAB3GAP2 is on the minus strand). VCF-style: chr1-220150679-C-A. GRCh37 (hg19) VCF-style: chr1-220324021-C-A.
Identifiers: ClinVar variation 875977 (VCV000875977.4), dbSNP rs540128548, ClinGen allele CA37537217.

ClinVar aggregate classification (germline): Likely benign. Review status: criteria provided, single submitter (1 of 4 stars). 2 submissions from 1 submitter: Likely benign (2). Last evaluated 2018-01-12.

Conditions:
Warburg micro syndrome 2 (WARBM2). Also called: MICRO SYNDROME 2. Identifiers: Orphanet 2510, MedGen C3280214, MONDO:0013641, OMIM 614225.
Martsolf syndrome (MARTS). Also called: Congenital cataract with intellectual disability and hypogonadotropic hypogonadism syndrome. Identifiers: Orphanet 1387, MedGen C0796037, MONDO:0023910.

Allele frequency attached by ClinVar (database versions not stated): TOPMed below 0.00001; gnomAD 0.00001 and 0.00009; 1000 Genomes Project 30x 0.00047; 1000 Genomes Project 0.00060.

Submissions (2):

Illumina Laboratory Services, Illumina
Classification: Likely benign for Martsolf syndrome 1. Last evaluated: 2018-01-12. Review status: criteria provided, single submitter. Criteria: ICSL Variant Classification Criteria 13 December 2019. Collection method: clinical testing. Allele origin: germline.
Comment: This variant was observed in the ICSL laboratory as part of a predisposition screen in an ostensibly healthy population. It had not been previously curated by ICSL or reported in the Human Gene Mutation Database (HGMD: prior to June 1st, 2018), and was therefore a candidate for classification through an automated scoring system. Utilizing variant allele frequency, disease prevalence and penetrance estimates, and inheritance mode, an automated score was calculated to assess if this variant is too frequent to cause the disease. Based on the score and internal cut-off values, a variant classified as likely benign is not then subjected to further curation. The score for this variant resulted in a classification of likely benign for this disease.

Illumina Laboratory Services, Illumina
Classification: Likely benign for Warburg micro syndrome 2. Last evaluated: 2018-01-12. Review status: criteria provided, single submitter. Criteria: ICSL Variant Classification Criteria 13 December 2019. Collection method: clinical testing. Allele origin: germline.
Comment: the same text as in the submission from Illumina Laboratory Services, Illumina above.